The following is an entry in ClinVar:

ClinVar aggregate classification (germline): Pathogenic (1 of 4 stars; one submission).

Conditions:
Neurofibromatosis, type 1 (NF1). Also called: Neurofibromatosis, type I; Peripheral type neurofibromatosis; VON RECKLINGHAUSEN DISEASE; NEUROFIBROMATOSIS, TYPE I, SOMATIC. Identifiers: Orphanet 636, MedGen C0027831, MONDO:0018975, OMIM 162200. Disease mechanism: loss of function.

Submission:

Labcorp Genetics (formerly Invitae), Labcorp
Classification: Pathogenic for Neurofibromatosis, type 1. Last evaluated: 2019-07-15. Review status: criteria provided, single submitter. Criteria: Invitae Variant Classification Sherloc (09022015). Collection method: clinical testing. Allele origin: germline.
Comment: For these reasons, this variant has been classified as Pathogenic. Loss-of-function variants in NF1 are known to be pathogenic (PMID: 10712197, 23913538). This variant has not been reported in the literature in individuals with NF1-related conditions. This variant is not present in population databases (ExAC no frequency). This sequence change creates a premature translational stop signal (p.Cys434Ilefs*40) in the NF1 gene. It is expected to result in an absent or disrupted protein product.

Literature cited by the submitters: PubMed 10712197; PubMed 23913538.

NM_001042492.3(NF1):c.1296delinsATA (p.Cys434fs)

Gene: NF1 (neurofibromin 1; plus strand). Cytogenetic location: 17q11.2.
Variant type: Indel.
Coding change: c.1296delinsATA on transcript NM_001042492.3 (MANE Select); coding-DNA position 1296, G replaced by ATA.
Protein change: p.Cys434fs; shifts the reading frame from cysteine 434.
Molecular consequence: frameshift variant.
Genome position (GRCh38, 1-based): chr17:31,206,275, G replaced by ATA. VCF-style: chr17-31206275-G-ATA. GRCh37 (hg19) VCF-style: chr17-29533293-G-ATA.
Other names: c.1296delGinsATA, p.Cys434Ilefs (NM_000267.4); c.1296delinsATA, p.Cys434fs (NM_001128147.3); short protein forms C434fs.
Identifiers: ClinVar variation 971041 (VCV000971041.6), dbSNP rs1772820423, ClinGen allele CA1139665322.